The following is an entry in ClinVar:

NM_001378120.1(MBD5):c.889A>G (p.Ile297Val)

Gene: MBD5 (methyl-CpG binding domain protein 5; plus strand). Cytogenetic location: 2q23.1.
Variant type: single nucleotide variant.
Coding change: c.889A>G on transcript NM_001378120.1 (MANE Select); coding-DNA position 889, A replaced by G.
Protein change: p.Ile297Val; replaces isoleucine 297 with valine.
Molecular consequence: missense variant.
Genome position (GRCh38, 1-based): chr2:148,468,832, A>G. VCF-style: chr2-148468832-A-G. GRCh37 (hg19) VCF-style: chr2-149226401-A-G.
Other names: c.889A>G, p.Ile297Val (NM_018328.5); short protein forms I297V.
Identifiers: ClinVar variation 1438586 (VCV001438586.8), dbSNP rs2105626905, ClinGen allele CA348717931.

ClinVar aggregate classification (germline): Uncertain significance (1 of 4 stars; one submission).

Conditions:
Intellectual developmental disorder, autosomal dominant 1. Also called: Intellectual disability, autosomal dominant 1; MBD5 Haploinsufficiency. Identifiers: Orphanet 228402, MedGen C1969562, MONDO:0007974, OMIM 156200.

Submission:

Labcorp Genetics (formerly Invitae), Labcorp
Classification: Uncertain significance for Intellectual developmental disorder, autosomal dominant 1. Last evaluated: 2021-03-25. Review status: criteria provided, single submitter. Criteria: Invitae Variant Classification Sherloc (09022015). Collection method: clinical testing. Allele origin: germline.
Comment: Algorithms developed to predict the effect of missense changes on protein structure and function are either unavailable or do not agree on the potential impact of this missense change (SIFT: "Deleterious"; PolyPhen-2: "Benign"; Align-GVGD: "Class C0"). Algorithms developed to predict the effect of sequence changes on RNA splicing suggest that this variant may create or strengthen a splice site, but this prediction has not been confirmed by published transcriptional studies. In summary, the available evidence is currently insufficient to determine the role of this variant in disease. Therefore, it has been classified as a Variant of Uncertain Significance. This variant has not been reported in the literature in individuals with MBD5-related conditions. This variant is not present in population databases (ExAC no frequency). This sequence change replaces isoleucine with valine at codon 297 of the MBD5 protein (p.Ile297Val). The isoleucine residue is highly conserved and there is a small physicochemical difference between isoleucine and valine.